The following is an entry in ClinVar:

NM_000434.4(NEU1):c.31C>T (p.Pro11Ser)

Gene: NEU1 (neuraminidase 1; minus strand). Cytogenetic location: 6p21.33.
Variant type: single nucleotide variant.
Coding change: c.31C>T on transcript NM_000434.4 (MANE Select); coding-DNA position 31, C replaced by T.
Protein change: p.Pro11Ser; replaces proline 11 with serine.
Molecular consequence: missense variant.
Genome position (GRCh38, 1-based): chr6:31,862,746, G>A on the plus strand (C>T on the coding strand, the complement: NEU1 is on the minus strand). VCF-style: chr6-31862746-G-A. GRCh37 (hg19) VCF-style: chr6-31830523-G-A.
Other names: short protein forms P11S.
Identifiers: ClinVar variation 1953908 (VCV001953908.3), dbSNP rs1021176396, ClinGen allele CA136928263.
Genomic context (GRCh38, chr6:31,862,746, plus strand): 5'-ACACCCAAACCCTACAGCCTCCCCAGAAGCCCAGAATCCGCGGCCCCCAGCGTCTGTCCG[G>A]GAGCGCCGTGCTGGGTCGCTCCCCAGTCATCTCTCCCCGCAGCTGCCGCGACCCTGGCAG-3'
Protein context (NP_000425.1, residues 1-21): MTGERPSTAL[Pro11Ser]DRRWGPRILG

ClinVar aggregate classification (germline): Uncertain significance (1 of 4 stars; one submission).

Submission:

Labcorp Genetics (formerly Invitae), Labcorp
Classification: Uncertain significance. Last evaluated: 2022-04-08. Review status: criteria provided, single submitter. Criteria: Invitae Variant Classification Sherloc (09022015). Collection method: clinical testing. Allele origin: germline.
Comment: This variant has not been reported in the literature in individuals affected with NEU1-related conditions. This variant is not present in population databases (gnomAD no frequency). This sequence change replaces proline, which is neutral and non-polar, with serine, which is neutral and polar, at codon 11 of the NEU1 protein (p.Pro11Ser). Algorithms developed to predict the effect of missense changes on protein structure and function (SIFT, PolyPhen-2, Align-GVGD) all suggest that this variant is likely to be tolerated. In summary, the available evidence is currently insufficient to determine the role of this variant in disease. Therefore, it has been classified as a Variant of Uncertain Significance.